The following is an entry in ClinVar:

ClinVar aggregate classification (germline): Uncertain significance. Review status: criteria provided, multiple submitters, no conflicts (2 of 4 stars). 2 submissions from 2 submitters: Uncertain significance (2). Last evaluated 2024-01-04.

Conditions:
Inborn genetic diseases. Identifiers: MedGen C0950123, MeSH D030342.

Allele frequency attached by ClinVar (database versions not stated): ExAC 0.00003; gnomAD exomes 0.00004; TOPMed 0.00009; 1000 Genomes Project 0.00020; 1000 Genomes Project 30x 0.00031.

Submissions (2):

Ambry Genetics
Classification: Uncertain significance for Inborn genetic diseases. Last evaluated: 2024-01-04. Review status: criteria provided, single submitter. Criteria: Ambry Variant Classification Scheme 2023. Collection method: clinical testing. Allele origin: germline.

Labcorp Genetics (formerly Invitae), Labcorp
Classification: Uncertain significance. Last evaluated: 2022-04-24. Review status: criteria provided, single submitter. Criteria: Invitae Variant Classification Sherloc (09022015). Collection method: clinical testing. Allele origin: germline.
Comment: This sequence change replaces threonine, which is neutral and polar, with methionine, which is neutral and non-polar, at codon 660 of the LRRK1 protein (p.Thr660Met). This variant is present in population databases (rs530260600, gnomAD 0.01%). This variant has not been reported in the literature in individuals affected with LRRK1-related conditions. Algorithms developed to predict the effect of missense changes on protein structure and function are either unavailable or do not agree on the potential impact of this missense change (SIFT: "Deleterious"; PolyPhen-2: "Probably Damaging"; Align-GVGD: "Class C0"). In summary, the available evidence is currently insufficient to determine the role of this variant in disease. Therefore, it has been classified as a Variant of Uncertain Significance.

NM_024652.6(LRRK1):c.1979C>T (p.Thr660Met)

Gene: LRRK1 (leucine rich repeat kinase 1; plus strand). Cytogenetic location: 15q26.3.
Variant type: single nucleotide variant.
Coding change: c.1979C>T on transcript NM_024652.6 (MANE Select); coding-DNA position 1979, C replaced by T.
Protein change: p.Thr660Met; replaces threonine 660 with methionine.
Molecular consequence: missense variant.
Genome position (GRCh38, 1-based): chr15:101,022,509, C>T. VCF-style: chr15-101022509-C-T. GRCh37 (hg19) VCF-style: chr15-101562714-C-T.
Other names: c.1979C>T (NM_024652.3); short protein forms T660M.
Identifiers: ClinVar variation 1421938 (VCV001421938.6), dbSNP rs530260600, ClinGen allele CA7761085.